The following is an entry in ClinVar:

ClinVar aggregate classification (germline): Benign/Likely benign. Review status: criteria provided, multiple submitters, no conflicts (2 of 4 stars). 2 submissions from 2 submitters: Benign (1); Likely benign (1). Last evaluated 2024-04-11.

Conditions:
Familial adenomatous polyposis 1 (FAP1). Also called: POLYPOSIS, ADENOMATOUS INTESTINAL; FAMILIAL ADENOMATOUS POLYPOSIS 1, ATTENUATED. Identifiers: MedGen C2713442, MONDO:0021056, OMIM 175100. Disease mechanism: loss of function.

gnomAD v4.1: 1 of 1,613,992 alleles (0.000062%); highest among the groups gnomAD compares: African/African-American, 0.0013%; no homozygotes.

Submissions (2):

Myriad Genetics, Inc.
Classification: Benign for Familial adenomatous polyposis 1. Last evaluated: 2024-04-11. Review status: criteria provided, single submitter. Criteria: Myriad Autosomal Dominant, Autosomal Recessive and X-Linked Classification Criteria (2023). Collection method: clinical testing. Allele origin: unknown.
Comment: This variant is considered benign. This variant is a silent/synonymous amino acid change and it is not expected to impact splicing.

Labcorp Genetics (formerly Invitae), Labcorp
Classification: Likely benign for Familial adenomatous polyposis 1. Last evaluated: 2023-11-27. Review status: criteria provided, single submitter. Criteria: Invitae Variant Classification Sherloc (09022015). Collection method: clinical testing. Allele origin: germline.

NM_000038.6(APC):c.7896A>G (p.Ser2632=)

Gene: APC (APC regulator of Wnt signaling pathway; plus strand). Cytogenetic location: 5q22.2.
Variant type: single nucleotide variant.
Coding change: c.7896A>G on transcript NM_000038.6 (MANE Select); coding-DNA position 7896, A replaced by G.
Protein change: p.Ser2632=; no amino-acid change (serine 2632 retained).
Molecular consequence: synonymous variant.
Genome position (GRCh38, 1-based): chr5:112,843,490, A>G. VCF-style: chr5-112843490-A-G. GRCh37 (hg19) VCF-style: chr5-112179187-A-G.
Other names: c.7896A>G, p.Ser2632= (NM_001127510.3, NM_001354895.2); c.7842A>G, p.Ser2614= (NM_001127511.3); c.7950A>G, p.Ser2650= (NM_001354896.2); c.7926A>G, p.Ser2642= (NM_001354897.2); c.7821A>G, p.Ser2607= (NM_001354898.2); c.7812A>G, p.Ser2604= (NM_001354899.2); c.7773A>G, p.Ser2591= (NM_001354900.2); c.7719A>G, p.Ser2573= (NM_001354901.2); and 5 more.
Identifiers: ClinVar variation 1543263 (VCV001543263.9), dbSNP rs779015041, ClinGen allele CA446210941.
Genomic context (GRCh38, chr5:112,843,490, plus strand): 5'-GAGAAAAATAAAAGAAAATGAATTTTCTCCCACAAATAGTACTTCTCAGACCGTTTCCTC[A>G]GGTGCTACAAATGGTGCTGAATCAAAGACTCTAATTTATCAAATGGCACCTGCTGTTTCT-3'
Protein context (NP_000029.2, residues 2622-2642): PTNSTSQTVS[Ser2632=]GATNGAESKT